The following is an entry in ClinVar:

NM_007194.4(CHEK2):c.419G>A (p.Ser140Asn)

Gene: CHEK2 (checkpoint kinase 2; minus strand). Cytogenetic location: 22q12.1.
Variant type: single nucleotide variant.
Coding change: c.419G>A on transcript NM_007194.4 (MANE Select); coding-DNA position 419, G replaced by A.
Protein change: p.Ser140Asn; replaces serine 140 with asparagine.
Molecular consequence: missense variant.
Genome position (GRCh38, 1-based): chr22:28,725,268, C>T on the plus strand (G>A on the coding strand, the complement: CHEK2 is on the minus strand). VCF-style: chr22-28725268-C-T. GRCh37 (hg19) VCF-style: chr22-29121256-C-T.
Other names: c.548G>A, p.Ser183Asn (NM_001005735.3); c.-359G>A (NM_001257387.3); c.419G>A, p.Ser140Asn (NM_001349956.3, NM_145862.3); short protein forms S140N, S183N.
Identifiers: ClinVar variation 656604 (VCV000656604.52), dbSNP rs768234137, ClinGen allele CA10168007.

ClinVar aggregate classification (germline): Uncertain significance. Review status: criteria provided, multiple submitters, no conflicts (2 of 4 stars). 5 submissions from 5 submitters: Uncertain significance (5). Last evaluated 2025-12-10.

Conditions:
Familial cancer of breast. Also called: hereditary breast carcinoma; Hereditary breast cancer; BREAST CANCER, FAMILIAL. Identifiers: Orphanet 227535, MedGen C0346153, MONDO:0016419, OMIM 114480. Disease mechanism: loss of function.
Hereditary cancer-predisposing syndrome. Also called: Neoplastic Syndromes, Hereditary; Hereditary Cancer Syndrome; Tumor predisposition; Hereditary neoplastic syndrome. Identifiers: Orphanet 140162, MedGen C0027672, MeSH D009386, MONDO:0015356.

Allele frequency attached by ClinVar (database versions not stated): gnomAD exomes below 0.00001; ExAC 0.00001.

Submissions (5):

Labcorp Genetics (formerly Invitae), Labcorp
Classification: Uncertain significance for Familial cancer of breast. Last evaluated: 2025-12-10. Review status: criteria provided, single submitter. Criteria: Invitae Variant Classification Sherloc (09022015). Collection method: clinical testing. Allele origin: germline.
Comment: This sequence change replaces serine, which is neutral and polar, with asparagine, which is neutral and polar, at codon 140 of the CHEK2 protein (p.Ser140Asn). This variant is not present in population databases (gnomAD no frequency). This missense change has been observed in individual(s) with CHEK2-related conditions (PMID: 34903604). ClinVar contains an entry for this variant (Variation ID: 656604). An algorithm developed to predict the effect of missense changes on protein structure and function (PolyPhen-2) suggests that this variant is likely to be disruptive. In summary, the available evidence is currently insufficient to determine the role of this variant in disease. Therefore, it has been classified as a Variant of Uncertain Significance.

GeneDx
Classification: Uncertain significance. Last evaluated: 2024-07-08. Review status: criteria provided, single submitter. Criteria: GeneDx Variant Classification Process June 2021. Collection method: clinical testing. Allele origin: germline. Affected: yes.
Comment: Published functional studies suggest a damaging effect: impaired auto-phosphorylation and kinase activity (PMID: 34903604); Not observed at significant frequency in large population cohorts (gnomAD); In silico analysis supports that this missense variant has a deleterious effect on protein structure/function; This variant is associated with the following publications: (PMID: 34903604, 33471991, 22419737, 19782031)

Ambry Genetics
Classification: Uncertain significance for Hereditary cancer-predisposing syndrome. Last evaluated: 2023-08-26. Review status: criteria provided, single submitter. Criteria: Ambry Variant Classification Scheme 2023. Collection method: clinical testing. Allele origin: germline.
Comment: The p.S140N variant (also known as c.419G>A), located in coding exon 2 of the CHEK2 gene, results from a G to A substitution at nucleotide position 419. The serine at codon 140 is replaced by asparagine, an amino acid with highly similar properties. Based on protein sequence alignment, this amino acid position is highly conserved in available vertebrate species. In addition, this alteration is predicted to be deleterious by in silico analysis. Since supporting evidence is limited at this time, the clinical significance of this alteration remains unclear.

CeGaT Center for Human Genetics Tuebingen
Classification: Uncertain significance. Last evaluated: 2021-04-01. Review status: criteria provided, single submitter. Criteria: CeGaT Center For Human Genetics Tuebingen Variant Classification Criteria Version 2. Collection method: clinical testing. Allele origin: germline. Affected: yes. Observed: 1 variant allele.

Revvity Omics, Revvity
Classification: Uncertain significance. Last evaluated: 2020-01-29. Review status: criteria provided, single submitter. Criteria: ACMG Guidelines, 2015. Collection method: clinical testing. Allele origin: germline.

Literature cited by the submitters: PubMed 34903604 (cited by Labcorp Genetics (formerly Invitae), Labcorp).